The following is an entry in ClinVar:

NM_000091.5(COL4A3):c.283A>C (p.Ile95Leu)

Genes: COL4A3 (collagen type IV alpha 3 chain; plus strand), MFF-DT (MFF divergent transcript; minus strand). Cytogenetic location: 2q36.3.
Variant type: single nucleotide variant.
Coding change: c.283A>C on transcript NM_000091.5 (MANE Select); coding-DNA position 283, A replaced by C.
Protein change: p.Ile95Leu; replaces isoleucine 95 with leucine.
Molecular consequence: missense variant.
Genome position (GRCh38, 1-based): chr2:227,244,954, A>C. VCF-style: chr2-227244954-A-C. GRCh37 (hg19) VCF-style: chr2-228109670-A-C.
Other names: short protein forms I95L.
Identifiers: ClinVar variation 2163669 (VCV002163669.4), dbSNP rs201222896, ClinGen allele CA66614686.
Genomic context (GRCh38, chr2:227,244,954, plus strand): 5'-TGAACATTTTTAAAGTTTTTTTTTTTTGCCACCCCCTCCTTTTTCCTATGTCTTCAGGGA[A>C]TAAGTGGATTGCCAGGATTTTCTGGTTCTCCTGGACTTCCAGTAAGTAATGGGAAAAATC-3'
Protein context (NP_000082.2, residues 85-105): GLTGSKGVRG[Ile95Leu]SGLPGFSGSP

ClinVar aggregate classification (germline): Uncertain significance. Review status: criteria provided, multiple submitters, no conflicts (2 of 4 stars). 2 submissions from 2 submitters: Uncertain significance (2). Last evaluated 2024-06-03.

Conditions:
Autosomal dominant Alport syndrome (ATS3A). Also called: ALPORT SYNDROME 3A, AUTOSOMAL DOMINANT; Alport syndrome dominant type; Renal failure and sensorineural hearing loss. Identifiers: Orphanet 63, Orphanet 88918, MedGen C5882663, MONDO:0007086, OMIM 104200.
Hematuria, benign familial, 2 (BFH2). Identifiers: MedGen C5830421, MONDO:0958186, OMIM 620320.
Alport syndrome 3b, autosomal recessive. Identifiers: MedGen C5882699, MONDO:0957811, OMIM 620536.

Allele frequency attached by ClinVar (database versions not stated): gnomAD 0.00001; TOPMed 0.00001.
gnomAD v4.1: 13 of 1,613,120 alleles (0.00081%); highest among the groups gnomAD compares: Non-Finnish European, 0.0011%; no homozygotes.

Submissions (2):

Labcorp Genetics (formerly Invitae), Labcorp
Classification: Uncertain significance. Last evaluated: 2024-06-03. Review status: criteria provided, single submitter. Criteria: Invitae Variant Classification Sherloc (09022015). Collection method: clinical testing. Allele origin: germline.
Comment: This sequence change replaces isoleucine, which is neutral and non-polar, with leucine, which is neutral and non-polar, at codon 95 of the COL4A3 protein (p.Ile95Leu). The frequency data for this variant in the population databases is considered unreliable, as metrics indicate poor data quality at this position in the gnomAD database. This variant has not been reported in the literature in individuals affected with COL4A3-related conditions. ClinVar contains an entry for this variant (Variation ID: 2163669). Advanced modeling of protein sequence and biophysical properties (such as structural, functional, and spatial information, amino acid conservation, physicochemical variation, residue mobility, and thermodynamic stability) performed at Invitae indicates that this missense variant is not expected to disrupt COL4A3 protein function with a negative predictive value of 95%. In summary, the available evidence is currently insufficient to determine the role of this variant in disease. Therefore, it has been classified as a Variant of Uncertain Significance.

Fulgent Genetics
Classification: Uncertain significance for Autosomal dominant Alport syndrome; Hematuria, benign familial, 2; Alport syndrome 3b, autosomal recessive. Last evaluated: 2024-05-04. Review status: criteria provided, single submitter. Criteria: ACMG Guidelines, 2015. Collection method: clinical testing. Allele origin: germline.